The following is an entry in ClinVar:

ClinVar aggregate classification (germline): Uncertain significance (1 of 4 stars; one submission).

Conditions:
Tuberous sclerosis 2 (TSC2). Identifiers: Orphanet 805, MedGen C1860707, MONDO:0013199, OMIM 613254.

Submission:

Labcorp Genetics (formerly Invitae), Labcorp
Classification: Uncertain significance for Tuberous sclerosis 2. Last evaluated: 2020-02-17. Review status: criteria provided, single submitter. Criteria: Invitae Variant Classification Sherloc (09022015). Collection method: clinical testing. Allele origin: germline.
Comment: This sequence change replaces lysine with asparagine at codon 16 of the TSC2 protein (p.Lys16Asn). The lysine residue is highly conserved and there is a moderate physicochemical difference between lysine and asparagine. This variant is not present in population databases (ExAC no frequency). This variant has not been reported in the literature in individuals with TSC2-related conditions. Algorithms developed to predict the effect of missense changes on protein structure and function are either unavailable or do not agree on the potential impact of this missense change (SIFT: "Deleterious"; PolyPhen-2: "Benign"; Align-GVGD: "Class C0"). In summary, the available evidence is currently insufficient to determine the role of this variant in disease. Therefore, it has been classified as a Variant of Uncertain Significance.

NM_000548.5(TSC2):c.48G>C (p.Lys16Asn)

Gene: TSC2 (TSC complex subunit 2; plus strand). Cytogenetic location: 16p13.3.
Variant type: single nucleotide variant.
Coding change: c.48G>C on transcript NM_000548.5 (MANE Select); coding-DNA position 48, G replaced by C.
Protein change: p.Lys16Asn; replaces lysine 16 with asparagine.
Molecular consequence: missense variant. On other transcripts: 5 prime UTR variant (1), intron variant (1).
Genome position (GRCh38, 1-based): chr16:2,048,663, G>C. VCF-style: chr16-2048663-G-C. GRCh37 (hg19) VCF-style: chr16-2098664-G-C.
Other names: c.48G>C, p.Lys16Asn (NM_001077183.3, NM_001114382.3, NM_001318827.2 and 4 more transcripts); c.-179G>C (NM_001318831.2); c.81G>C, p.Lys27Asn (NM_001318832.2); c.-10+598G>C (NM_001318829.2); short protein forms K16N, K27N.
Identifiers: ClinVar variation 1024015 (VCV001024015.9), dbSNP rs2084674938, ClinGen allele CA394301004.